The following is an entry in ClinVar:

ClinVar aggregate classification (germline): Pathogenic. Review status: criteria provided, multiple submitters, no conflicts (2 of 4 stars). 5 submissions from 5 submitters: Pathogenic (3). 2 of the submissions do not count toward it. Last evaluated 2023-10-14.

Conditions:
RAB27A-related disorder. Also called: RAB27A-related condition.
Griscelli syndrome type 2 (GS2). Also called: PAID SYNDROME; PARTIAL ALBINISM AND IMMUNODEFICIENCY SYNDROME; GRISCELLI SYNDROME WITH HEMOPHAGOCYTIC SYNDROME. Identifiers: Orphanet 381, Orphanet 79477, MedGen C1868679, MONDO:0011872, OMIM 607624.

Submissions (5):

Labcorp Genetics (formerly Invitae), Labcorp
Classification: Pathogenic for Griscelli syndrome type 2. Last evaluated: 2023-10-14. Review status: criteria provided, single submitter. Criteria: Invitae Variant Classification Sherloc (09022015). Collection method: clinical testing. Allele origin: germline.
Comment: This sequence change creates a premature translational stop signal (p.Gln172Asnfs*2) in the RAB27A gene. While this is not anticipated to result in nonsense mediated decay, it is expected to disrupt the last 50 amino acid(s) of the RAB27A protein. This variant is present in population databases (rs767481076, gnomAD 0.006%). This premature translational stop signal has been observed in individual(s) with Griscelli syndrome (PMID: 10835631, 12648328, 23160464, 25312756, 25901543, 30697212). It has also been observed to segregate with disease in related individuals. This variant is also known as 510 del AAGCC. ClinVar contains an entry for this variant (Variation ID: 417958). This variant disrupts a region of the RAB27A protein in which other variant(s) (p.Arg184*) have been determined to be pathogenic (PMID: 10835631, 15475639, 18397837, 19030707, 19953648). This suggests that this is a clinically significant region of the protein, and that variants that disrupt it are likely to be disease-causing. For these reasons, this variant has been classified as Pathogenic.

Genomics Facility, Ludwig-Maximilians-Universität München
Classification: Pathogenic for Griscelli syndrome type 2. Last evaluated: 2021-12-28. Review status: criteria provided, single submitter. Criteria: ACMG Guidelines, 2015. Collection method: clinical testing. Allele origin: unknown. Inheritance: Autosomal recessive inheritance. Affected: yes.

CeGaT Center for Human Genetics Tuebingen
Classification: Pathogenic. Last evaluated: 2018-07-01. Review status: criteria provided, single submitter. Criteria: CeGaT Center For Human Genetics Tuebingen Variant Classification Criteria Version 2. Collection method: clinical testing. Allele origin: germline. Affected: yes. Observed: 1 variant allele.

PreventionGenetics, part of Exact Sciences
Classification: Pathogenic for RAB27A-related condition. Last evaluated: 2024-01-19. Review status: no assertion criteria provided. Collection method: clinical testing. Allele origin: germline. Not counted in ClinVar's aggregate classification.
Comment: The RAB27A c.514_518del5 variant is predicted to result in a frameshift and premature protein termination (p.Gln172Asnfs*2). In the literature this variant is also referred to as c.510delAAGCC and c. c.510-514delAAGCC. This variant has been reported in the homozygous and presumed homozygous states in individuals from consanguineous families with Griscelli syndrome, familial hemophagocytic lymphohsitiocytosis (FHL), and primary immunodeficiency disorders (Menasche et al. 2000. PubMed ID: 10835631; Sarper et al. 2003. PubMed ID: 12648328; Mamishi et al. 2008. PubMed ID: 18350256; Cetica et al. 2014. PubMed ID: 25312756; Al-Herz et al. 2019. PubMed ID: 30697212). This variant is reported in 0.0053% of alleles in individuals of European (Non-Finnish) descent in gnomAD. Frameshift variants in RAB27A are expected to be pathogenic. This variant is interpreted as pathogenic.

Division of Human Genetics, Children's Hospital of Philadelphia
Classification: Likely pathogenic for Griscelli syndrome type 2. Last evaluated: 2016-08-26. Review status: no assertion criteria provided. Collection method: research. Allele origin: germline. Affected: yes. Study: CSER-PediSeq. Not counted in ClinVar's aggregate classification.

Literature cited by the submitters: PubMed 10835631 (cited by Labcorp Genetics (formerly Invitae), Labcorp); PubMed 12648328 (cited by Labcorp Genetics (formerly Invitae), Labcorp); PubMed 23160464 (cited by Labcorp Genetics (formerly Invitae), Labcorp); PubMed 25312756 (cited by Labcorp Genetics (formerly Invitae), Labcorp); PubMed 25901543 (cited by Labcorp Genetics (formerly Invitae), Labcorp); PubMed 30697212 (cited by Labcorp Genetics (formerly Invitae), Labcorp); PubMed 15475639 (cited by Labcorp Genetics (formerly Invitae), Labcorp); PubMed 18397837 (cited by Labcorp Genetics (formerly Invitae), Labcorp); PubMed 19030707 (cited by Labcorp Genetics (formerly Invitae), Labcorp); PubMed 19953648 (cited by Labcorp Genetics (formerly Invitae), Labcorp); PubMed 18350256 (cited by Genomics Facility, Ludwig-Maximilians-Universität München).

NM_183235.3(RAB27A):c.514_518del (p.Gln172fs)

Gene: RAB27A (RAB27A, member RAS oncogene family; minus strand). Cytogenetic location: 15q21.3.
Variant type: Deletion.
Coding change: c.514_518del on transcript NM_183235.3 (MANE Select); coding-DNA positions 514 to 518, 5 bases deleted (CAAGC; older notation c.514_518delCAAGC).
Protein change: p.Gln172fs; shifts the reading frame from glutamine 172.
Molecular consequence: frameshift variant.
Genome position (GRCh38, 1-based): chr15:55,205,655-55,205,659, GCTTG deleted on the plus strand (CAAGC on the coding strand, the reverse complement: RAB27A is on the minus strand); deleting any 5 consecutive bases within chr15:55,205,655-55,205,663 gives the same sequence; the c. name uses the placement nearest the transcript's 3' end. VCF-style (leftmost placement, unchanged base first): chr15-55205654-TGCTTG-T. GRCh37 (hg19) VCF-style: chr15-55497852-TGCTTG-T.
Other names: c.514_518del5 (NM_004580.4); c.514_518del, p.Gln172fs (NM_004580.5, NM_183236.3); c.510_514delAAGCC, p.Gln172Asnfs (NM_183234.3); short protein forms Q172fs.
Identifiers: ClinVar variation 417958 (VCV000417958.52), dbSNP rs767481076, ClinGen allele CA7573544.